The following is an entry in ClinVar:

NM_025114.4(CEP290):c.7359A>G (p.Gly2453=)

Genes: CEP290 (centrosomal protein 290; minus strand), RLIG1 (RNA 5'-phosphate and 3'-OH ligase 1; plus strand). Cytogenetic location: 12q21.32.
Variant type: single nucleotide variant.
Coding change: c.7359A>G on transcript NM_025114.4 (MANE Select); coding-DNA position 7359, A replaced by G.
Protein change: p.Gly2453=; no amino-acid change (glycine 2453 retained).
Molecular consequence: synonymous variant. On other transcripts: 3 prime UTR variant (1).
Genome position (GRCh38, 1-based): chr12:88,049,265, T>C on the plus strand (A>G on the coding strand, the complement: CEP290 is on the minus strand). VCF-style: chr12-88049265-T-C. GRCh37 (hg19) VCF-style: chr12-88443042-T-C.
Other names: c.*843T>C (NM_001009894.3).
Identifiers: ClinVar variation 3353699 (VCV003353699.1).

ClinVar aggregate classification (germline): Likely benign (0 of 4 stars; one submission).

Conditions:
CEP290-related disorder. Also called: CEP290-related condition; CEP290-related disorders. Identifiers: MedGen CN239314.

gnomAD v4.1: 4 of 1,609,920 alleles (0.00025%); highest among the groups gnomAD compares: Non-Finnish European, 0.00025%; no homozygotes.

Submission:

PreventionGenetics, part of Exact Sciences
Classification: Likely benign for CEP290-related condition. Last evaluated: 2024-03-04. Review status: no assertion criteria provided. Collection method: clinical testing. Allele origin: germline.
Comment: This variant is classified as likely benign based on ACMG/AMP sequence variant interpretation guidelines (Richards et al. 2015 PMID: 25741868, with internal and published modifications).